The following is an entry in ClinVar:

NM_006941.4(SOX10):c.999G>A (p.Trp333Ter)

Genes: POLR2F (RNA polymerase II, I and III subunit F; plus strand), SOX10 (SRY-box transcription factor 10; minus strand). Cytogenetic location: 22q13.1.
Variant type: single nucleotide variant.
Coding change: c.999G>A on transcript NM_006941.4 (MANE Select); coding-DNA position 999, G replaced by A.
Protein change: p.Trp333Ter; replaces tryptophan 333 with a stop codon.
Molecular consequence: nonsense. On other transcripts: intron variant (3).
Genome position (GRCh38, 1-based): chr22:37,973,897, C>T on the plus strand (G>A on the coding strand, the complement: SOX10 is on the minus strand). VCF-style: chr22-37973897-C-T. GRCh37 (hg19) VCF-style: chr22-38369904-C-T.
Other names: c.*38+1587C>T (NM_001363825.1); c.293+6727C>T (NM_001301130.2, NM_001301131.2); short protein forms W333*.
Identifiers: ClinVar variation 3601863 (VCV003601863.2).

ClinVar aggregate classification (germline): Pathogenic/Likely pathogenic. Review status: criteria provided, multiple submitters, no conflicts (2 of 4 stars). 2 submissions from 2 submitters: Pathogenic (1); Likely pathogenic (1). Last evaluated 2025-01-09.

Conditions:
Waardenburg syndrome type 4C (WS4C). Also called: WAARDENBURG SYNDROME WITH HIRSCHSPRUNG DISEASE, TYPE 4C. Identifiers: Orphanet 897, MedGen C2750452, MONDO:0013202, OMIM 613266.
SOX10-related disorder. Also called: SOX10-related condition.

Submissions (2):

Institute of Rare Diseases, West China Hospital, Sichuan University
Classification: Pathogenic for Waardenburg syndrome type 4C. Last evaluated: 2025-01-09. Review status: criteria provided, single submitter. Criteria: ClinGen HL ACMG Specifications v1. Collection method: research. Allele origin: germline. Affected: yes.
Comment: PVS1;PM2_Supporting;PS1

Blueprint Genetics
Classification: Likely pathogenic for SOX10-related disorders. Last evaluated: 2018-11-22. Review status: criteria provided, single submitter. Criteria: ACMG Guidelines, 2015. Collection method: clinical testing. Allele origin: germline. Affected: yes. Observed: 1 variant allele.